The following is an entry in ClinVar:

NM_005687.5(FARSB):c.817A>G (p.Met273Val)

Gene: FARSB (phenylalanyl-tRNA synthetase subunit beta; minus strand). Cytogenetic location: 2q36.1.
Variant type: single nucleotide variant.
Coding change: c.817A>G on transcript NM_005687.5 (MANE Select); coding-DNA position 817, A replaced by G.
Protein change: p.Met273Val; replaces methionine 273 with valine.
Molecular consequence: missense variant. On other transcripts: non-coding transcript variant (1).
Genome position (GRCh38, 1-based): chr2:222,630,144, T>C on the plus strand (A>G on the coding strand, the complement: FARSB is on the minus strand). VCF-style: chr2-222630144-T-C. GRCh37 (hg19) VCF-style: chr2-223494863-T-C.
Other names: short protein forms M273V.
Identifiers: ClinVar variation 1961908 (VCV001961908.5), dbSNP rs2469427783, ClinGen allele CA350813440.

ClinVar aggregate classification (germline): Uncertain significance (1 of 4 stars; one submission).

Allele frequency attached by ClinVar (database versions not stated): gnomAD exomes below 0.00001.
gnomAD v4.1: 2 of 1,559,954 alleles (0.00013%); highest among the groups gnomAD compares: Non-Finnish European, 0.00017%; no homozygotes.

Submission:

Labcorp Genetics (formerly Invitae), Labcorp
Classification: Uncertain significance. Last evaluated: 2022-08-24. Review status: criteria provided, single submitter. Criteria: Invitae Variant Classification Sherloc (09022015). Collection method: clinical testing. Allele origin: germline.
Comment: This variant has not been reported in the literature in individuals affected with FARSB-related conditions. Algorithms developed to predict the effect of missense changes on protein structure and function are either unavailable or do not agree on the potential impact of this missense change (SIFT: "Deleterious"; PolyPhen-2: "Possibly Damaging"; Align-GVGD: "Class C0"). In summary, the available evidence is currently insufficient to determine the role of this variant in disease. Therefore, it has been classified as a Variant of Uncertain Significance. This variant is not present in population databases (gnomAD no frequency). This sequence change replaces methionine, which is neutral and non-polar, with valine, which is neutral and non-polar, at codon 273 of the FARSB protein (p.Met273Val).